The following is an entry in ClinVar:

ClinVar aggregate classification (germline): Uncertain significance (1 of 4 stars; one submission).

Conditions:
Early-infantile DEE. Also called: Early infantile epileptic encephalopathy; Ohtahara syndrome; Early infantile epileptic encephalopathy with suppression bursts. Identifiers: Orphanet 1934, MedGen C0393706, MONDO:0800491.

Submission:

Labcorp Genetics (formerly Invitae), Labcorp
Classification: Uncertain significance for Early-infantile DEE. Last evaluated: 2024-04-03. Review status: criteria provided, single submitter. Criteria: Invitae Variant Classification Sherloc (09022015). Collection method: clinical testing. Allele origin: germline.
Comment: The SCN8A gene has multiple clinically relevant transcripts. This variant occurs in alternate transcript NM_001330260.1, and corresponds to NM_014191.3:c.706+210G>T in the primary transcript. This sequence change replaces arginine, which is basic and polar, with serine, which is neutral and polar, at codon 223 of the SCN8A protein (p.Arg223Ser). This variant is not present in population databases (gnomAD no frequency). This variant has not been reported in the literature in individuals affected with SCN8A-related conditions. ClinVar contains an entry for this variant (Variation ID: 1612229). Experimental studies and prediction algorithms are not available or were not evaluated, and the functional significance of this variant is currently unknown. Algorithms developed to predict the effect of sequence changes on RNA splicing suggest that this variant is not likely to affect RNA splicing. In summary, the available evidence is currently insufficient to determine the role of this variant in disease. Therefore, it has been classified as a Variant of Uncertain Significance.

NM_001330260.2(SCN8A):c.669G>T (p.Arg223Ser)

Gene: SCN8A (sodium voltage-gated channel alpha subunit 8; plus strand). Cytogenetic location: 12q13.13.
Variant type: single nucleotide variant.
Coding change: c.669G>T on transcript NM_001330260.2 (MANE Select); coding-DNA position 669, G replaced by T.
Protein change: p.Arg223Ser; replaces arginine 223 with serine.
Molecular consequence: missense variant. On other transcripts: intron variant (2).
Genome position (GRCh38, 1-based): chr12:51,689,059, G>T. VCF-style: chr12-51689059-G-T. GRCh37 (hg19) VCF-style: chr12-52082843-G-T.
Other names: c.669G>T, p.Arg223Ser (NM_001369788.1); c.706+210G>T (NM_014191.4, NM_001177984.3); short protein forms R223S.
Identifiers: ClinVar variation 1612229 (VCV001612229.6), dbSNP rs2138716709, ClinGen allele CA385224726.